The following is an entry in ClinVar:

ClinVar aggregate classification (germline): drug response (0 of 4 stars; one submission).

Conditions:
Olaparib response. Also called: Lynparza response. Identifiers: MedGen CN224080.

Allele frequency attached by ClinVar (database versions not stated): TOPMed below 0.00001; gnomAD 0.00001.
gnomAD v4.1: 1 of 1,613,754 alleles (0.000062%); highest among the groups gnomAD compares: Non-Finnish European, 0.000085%; no homozygotes.

Submission:

Department of Thoracic Surgery and State Key Laboratory of Genetic Engineering, Fudan University Shanghai Cancer Center
Classification: drug response for Olaparib response. Last evaluated: 2023-11-01. Review status: no assertion criteria provided. Collection method: research. Allele origin: germline. Affected: yes.
Comment: Germline variants of Holliday junction resolvase genes in multiple primary malignancies involving lung cancer lead to Olaparib sensitization.

NM_001130009.3(GEN1):c.2152C>T (p.His718Tyr)

Gene: GEN1 (GEN1 Holliday junction 5' flap endonuclease; plus strand). Cytogenetic location: 2p24.2.
Variant type: single nucleotide variant.
Coding change: c.2152C>T on transcript NM_001130009.3 (MANE Select); coding-DNA position 2152, C replaced by T.
Protein change: p.His718Tyr; replaces histidine 718 with tyrosine.
Molecular consequence: missense variant.
Genome position (GRCh38, 1-based): chr2:17,781,364, C>T. VCF-style: chr2-17781364-C-T. GRCh37 (hg19) VCF-style: chr2-17962631-C-T.
Other names: c.2152C>T, p.His718Tyr (NM_182625.5); short protein forms H718Y.
Identifiers: ClinVar variation 2683835 (VCV002683835.1), dbSNP rs1014247385, ClinGen allele CA43360619.
Genomic context (GRCh38, chr2:17,781,364, plus strand): 5'-TTGTCCATACTTAGTGTAAAAGAATCTTGTATTGCTAACAGTGGTTCTGATTGTACATCA[C>T]ATCTTTCAAAGGATCTTCCAGGAATTCCCTTGCAAAATGAATCCAGAGACTCTAAAATTC-3'
Protein context (NP_001123481.3, residues 708-728): IANSGSDCTS[His718Tyr]LSKDLPGIPL